The following is an entry in ClinVar:

ClinVar aggregate classification (germline): Uncertain significance (1 of 4 stars; one submission).

Conditions:
Agammaglobulinemia 4, autosomal recessive (AGM4). Also called: AGAMMAGLOBULINEMIA, AUTOSOMAL RECESSIVE, DUE TO BLNK DEFECT; B cell linker protein deficiency. Identifiers: MedGen C3150752, MONDO:0013289, OMIM 613502.

Allele frequency attached by ClinVar (database versions not stated): gnomAD exomes below 0.00001 and 0.00001; gnomAD 0.00001; ExAC 0.00002.
gnomAD v4.1: 4 of 1,614,094 alleles (0.00025%); highest among the groups gnomAD compares: African/African-American, 0.004%; no homozygotes.

Submission:

Labcorp Genetics (formerly Invitae), Labcorp
Classification: Uncertain significance for Agammaglobulinemia 4, autosomal recessive. Last evaluated: 2019-06-26. Review status: criteria provided, single submitter. Criteria: Invitae Variant Classification Sherloc (09022015). Collection method: clinical testing. Allele origin: germline.
Comment: This variant has not been reported in the literature in individuals with BLNK-related conditions. In summary, the available evidence is currently insufficient to determine the role of this variant in disease. Therefore, it has been classified as a Variant of Uncertain Significance. Algorithms developed to predict the effect of missense changes on protein structure and function (SIFT, PolyPhen-2, Align-GVGD) all suggest that this variant is likely to be tolerated, but these predictions have not been confirmed by published functional studies and their clinical significance is uncertain. This variant is present in population databases (rs782796988, ExAC 0.02%). This sequence change replaces methionine with isoleucine at codon 83 of the BLNK protein (p.Met83Ile). The methionine residue is moderately conserved and there is a small physicochemical difference between methionine and isoleucine.

NM_013314.4(BLNK):c.249G>A (p.Met83Ile)

Gene: BLNK (B cell linker; minus strand). Cytogenetic location: 10q24.1.
Variant type: single nucleotide variant.
Coding change: c.249G>A on transcript NM_013314.4 (MANE Select); coding-DNA position 249, G replaced by A.
Protein change: p.Met83Ile; replaces methionine 83 with isoleucine.
Molecular consequence: missense variant. On other transcripts: non-coding transcript variant (4).
Genome position (GRCh38, 1-based): chr10:96,227,522, C>T on the plus strand (G>A on the coding strand, the complement: BLNK is on the minus strand). VCF-style: chr10-96227522-C-T. GRCh37 (hg19) VCF-style: chr10-97987278-C-T.
Other names: c.249G>A, p.Met83Ile (NM_001114094.2, NM_001258440.2, NM_001258441.2 and 1 more transcripts); short protein forms M83I.
Identifiers: ClinVar variation 948242 (VCV000948242.9), dbSNP rs782796988, ClinGen allele CA5623531.